The following continues an entry in ClinVar:

NM_007194.4(CHEK2):c.1091T>C (p.Ile364Thr)

Gene: CHEK2. ClinVar aggregate classification (germline): Uncertain significance. Uncertain significance (11).

Submissions 10 to 12 of 12:

Genetic Services Laboratory, University of Chicago
Classification: Uncertain significance. Last evaluated: 2020-11-23. Review status: criteria provided, single submitter. Criteria: ACMG Guidelines, 2015. Collection method: clinical testing. Allele origin: germline. Affected: no.
Comment: DNA sequence analysis of the CHEK2 gene demonstrated a sequence change, c.1091T>C, in exon 10 that results in an amino acid change, p.Ile364Thr. This sequence change has been described in the gnomAD database in six individuals with a low overall population frequency of 0.0024% (dbSNP rs774179198). The p.Ile364Thr change has been reported in individuals with breast cancer, rectal cancer, and with suspected Lynch syndrome (PMIDs: 18725978, 27978560, 25980754, 31050813). The p.Ile364Thr change affects a moderately conserved amino acid residue located in a domain of the CHEK2 protein that is known to be functional. The p.Ile364Thr substitution appears to be deleterious using several in-silico pathogenicity prediction tools (SIFT, PolyPhen2, Align GVGD, REVEL). Functional studies have provided conflicting results regarding CHEK2 protein function in the presence of this sequence change (PMIDs: 18725978, 31050813, 30851065). Due to these contrasting evidences, the clinical significance of the p.Ile364Thr change remains unknown at this time.

CHEO Genetics Diagnostic Laboratory, Children's Hospital of Eastern Ontario
Classification: Uncertain significance for Breast and/or ovarian cancer. Last evaluated: 2019-11-18. Review status: criteria provided, single submitter. Criteria: ACMG Guidelines, 2015. Collection method: clinical testing. Allele origin: germline.

Department of Pathology and Laboratory Medicine, Sinai Health System
Classification: Uncertain significance for Malignant tumor of breast. Review status: no assertion criteria provided. Collection method: clinical testing. Allele origin: unknown. Affected: yes. Observed: 1 variant allele. Study: The Canadian Open Genetics Repository (COGR). Not counted in ClinVar's aggregate classification.
Comment: A functional study looking at in vitro kinase activity showed partially reduced kinase activity, with the affected individual having no family history of cancer disease (Chrisanthar 2008). The variant was also identified in dbSNP (ID: rs774179198) â€šÃ„ÃºWith Uncertain significance alleleâ€šÃ„Ã¹, ClinVar (classified as uncertain significance in 2017, submitters: Ambry Genetics, GeneDx, Invitae), Clinvitae (3x), and the Zhejiang Colon Cancer Database (1x, co-occurring with a pathogenic CHEK2 variant (c.283C>T/p.Arg95X), and was not identified in Cosmic and MutDB. The variant was identified in control databases in 6 of 246012 chromosomes at a frequency of 0.00002 (Genome Aggregation Consortium Feb 27, 2017), being identified in the following populations: Latino in 1 of 33570 chromosomes (frequency: 0.00003), European Non-Finnish in 4 of 111552 chromosomes (frequency: 0.00004), and European Finnish in 1 of 22260 chromosomes (frequency: 0.00004). The p.Ile364Thr residue is conserved in in mammals but not in more distantly related organisms however computational analyses (PolyPhen-2, SIFT, AlignGVGD, BLOSUM, MutationTaster) do not suggest a high likelihood of impact to the protein; this information is not predictive enough to rule out pathogenicity. The variant occurs outside of the splicing consensus sequence and in silico or computational prediction software programs (SpliceSiteFinder, MaxEntScan, NNSPLICE, GeneSplicer, HumanSpliceFinder) do not predict a difference in splicing. In summary, based on the above information, the clinical significance of this variant cannot be determined with certainty at this time. This variant is classified as a variant of uncertain significance.

Literature cited by the submitters: PubMed 18725978 (cited by 4 submitters); PubMed 25980754 (cited by Labcorp Genetics (formerly Invitae), Labcorp and Color Diagnostics, LLC DBA Color Health); PubMed 27978560 (cited by 3 submitters); PubMed 31050813 (cited by 4 submitters); PubMed 32885271 (cited by 4 submitters); PubMed 30851065 (cited by 4 submitters); PubMed 37449874 (cited by 4 submitters); PubMed 29522266 (cited by Quest Diagnostics Nichols Institute San Juan Capistrano and Ambry Genetics); PubMed 35884425 (cited by Quest Diagnostics Nichols Institute San Juan Capistrano); PubMed 33471991 (cited by Quest Diagnostics Nichols Institute San Juan Capistrano); PubMed 31409080 (cited by Ambry Genetics); PubMed 23960188 (cited by Color Diagnostics, LLC DBA Color Health).